The following is an entry in ClinVar:

ClinVar aggregate classification (germline): Uncertain significance (1 of 4 stars; one submission).

Conditions:
Neuronal ceroid lipofuscinosis. Also called: Neuronal Ceroid Lipofuscinoses. Identifiers: Orphanet 216, Orphanet 79263, MedGen C0027877, MONDO:0016295. Disease mechanism: loss of function.

Allele frequency attached by ClinVar (database versions not stated): gnomAD 0.00001; gnomAD exomes 0.00001; ExAC 0.00002; TOPMed 0.00002.
gnomAD v4.1: 11 of 1,613,810 alleles (0.00068%); highest among the groups gnomAD compares: African/African-American, 0.0013%; no homozygotes.

Submission:

Labcorp Genetics (formerly Invitae), Labcorp
Classification: Uncertain significance for Neuronal ceroid lipofuscinosis. Last evaluated: 2024-02-17. Review status: criteria provided, single submitter. Criteria: Invitae Variant Classification Sherloc (09022015). Collection method: clinical testing. Allele origin: germline.
Comment: This sequence change replaces valine, which is neutral and non-polar, with isoleucine, which is neutral and non-polar, at codon 110 of the CLN3 protein (p.Val110Ile). The frequency data for this variant in the population databases is considered unreliable, as metrics indicate poor data quality at this position in the gnomAD database. This variant has not been reported in the literature in individuals affected with CLN3-related conditions. ClinVar contains an entry for this variant (Variation ID: 1373330). Advanced modeling of protein sequence and biophysical properties (such as structural, functional, and spatial information, amino acid conservation, physicochemical variation, residue mobility, and thermodynamic stability) performed at Invitae indicates that this missense variant is not expected to disrupt CLN3 protein function with a negative predictive value of 80%. In summary, the available evidence is currently insufficient to determine the role of this variant in disease. Therefore, it has been classified as a Variant of Uncertain Significance.

NM_001042432.2(CLN3):c.328G>A (p.Val110Ile)

Gene: CLN3 (CLN3 lysosomal/endosomal transmembrane protein, battenin; minus strand). Cytogenetic location: 16p12.1.
Variant type: single nucleotide variant.
Coding change: c.328G>A on transcript NM_001042432.2 (MANE Select); coding-DNA position 328, G replaced by A.
Protein change: p.Val110Ile; replaces valine 110 with isoleucine.
Molecular consequence: missense variant. On other transcripts: intron variant (1).
Genome position (GRCh38, 1-based): chr16:28,487,708, C>T on the plus strand (G>A on the coding strand, the complement: CLN3 is on the minus strand). VCF-style: chr16-28487708-C-T. GRCh37 (hg19) VCF-style: chr16-28499029-C-T.
Other names: c.328G>A, p.Val110Ile (NM_000086.2); c.256G>A, p.Val86Ile (NM_001286104.2); c.94G>A, p.Val32Ile (NM_001286109.2); c.166G>A, p.Val56Ile (NM_001286110.2); c.75-167G>A (NM_001286105.2); short protein forms V86I, V110I, V56I, V32I.
Identifiers: ClinVar variation 1373330 (VCV001373330.4), dbSNP rs781534624, ClinGen allele CA7980970.